The following is an entry in ClinVar:

NM_198428.3(BBS9):c.1532C>G (p.Pro511Arg)

Gene: BBS9 (Bardet-Biedl syndrome 9; plus strand). Cytogenetic location: 7p14.3.
Variant type: single nucleotide variant.
Coding change: c.1532C>G on transcript NM_198428.3 (MANE Select); coding-DNA position 1532, C replaced by G.
Protein change: p.Pro511Arg; replaces proline 511 with arginine.
Molecular consequence: missense variant. On other transcripts: non-coding transcript variant (3), intron variant (5).
Genome position (GRCh38, 1-based): chr7:33,351,318, C>G. VCF-style: chr7-33351318-C-G. GRCh37 (hg19) VCF-style: chr7-33390930-C-G.
Other names: c.1532C>G, p.Pro511Arg (NM_001033605.2, NM_001348036.1, NM_001348041.4 and 4 more transcripts); c.1166C>G, p.Pro389Arg (NM_001348037.3, NM_001348045.3, NM_001348046.3); c.1259C>G, p.Pro420Arg (NM_001348038.3); c.1397C>G, p.Pro466Arg (NM_001348042.3); c.1160-1541C>G (NM_001348039.3); c.1433-1541C>G (NM_001033604.2); c.1432+2148C>G (NM_014451.4, NM_001348040.3); c.1067-1541C>G (NM_001348044.3); and 1 more; short protein forms P389R, P420R, P466R, P511R.
Identifiers: ClinVar variation 2142294 (VCV002142294.3), dbSNP rs965817527, ClinGen allele CA156728333.

ClinVar aggregate classification (germline): Uncertain significance. Review status: criteria provided, multiple submitters, no conflicts (2 of 4 stars). 3 submissions from 3 submitters: Uncertain significance (3). Last evaluated 2026-02-25.

Conditions:
Inborn genetic diseases. Identifiers: MedGen C0950123, MeSH D030342.
Bardet-Biedl syndrome (BBS). Identifiers: Orphanet 110, MedGen C0752166, MONDO:0015229.

gnomAD v4.1: 12 of 1,596,856 alleles (0.00075%); highest among the groups gnomAD compares: African/African-American, 0.016%; no homozygotes.

Submissions (3):

GeneDx
Classification: Uncertain significance. Last evaluated: 2026-02-25. Review status: criteria provided, single submitter. Criteria: GeneDx Variant Classification Process June 2021. Collection method: clinical testing. Allele origin: germline.
Comment: In silico analysis suggests that this missense variant does not alter protein structure/function; Has not been previously published as pathogenic or benign to our knowledge

Ambry Genetics
Classification: Uncertain significance for Inborn genetic diseases. Last evaluated: 2025-04-11. Review status: criteria provided, single submitter. Criteria: Ambry Variant Classification Scheme 2023. Collection method: clinical testing. Allele origin: germline.

Labcorp Genetics (formerly Invitae), Labcorp
Classification: Uncertain significance for Bardet-Biedl syndrome. Last evaluated: 2022-07-01. Review status: criteria provided, single submitter. Criteria: Invitae Variant Classification Sherloc (09022015). Collection method: clinical testing. Allele origin: germline.
Comment: This sequence change replaces proline, which is neutral and non-polar, with arginine, which is basic and polar, at codon 511 of the BBS9 protein (p.Pro511Arg). This variant is present in population databases (no rsID available, gnomAD 0.03%). This variant has not been reported in the literature in individuals affected with BBS9-related conditions. Algorithms developed to predict the effect of missense changes on protein structure and function (SIFT, PolyPhen-2, Align-GVGD) all suggest that this variant is likely to be disruptive. In summary, the available evidence is currently insufficient to determine the role of this variant in disease. Therefore, it has been classified as a Variant of Uncertain Significance.